The following is an entry in ClinVar:

ClinVar aggregate classification (germline): Uncertain significance. Review status: criteria provided, multiple submitters, no conflicts (2 of 4 stars). 4 submissions from 4 submitters: Uncertain significance (4). Last evaluated 2026-08-31.

Conditions:
Epilepsy, X-linked 1, with variable learning disabilities and behavior disorders. Also called: X-linked epilepsy-learning disabilities-behavior disorders syndrome. Identifiers: Orphanet 85294, MedGen C5774177, MONDO:0010339, OMIM 300491.
Inborn genetic diseases. Identifiers: MedGen C0950123, MeSH D030342.

gnomAD v4.1: 29 of 1,186,628 alleles (0.0024%); highest among the groups gnomAD compares: South Asian, 0.05%; 1 homozygote.

Submissions (4):

Ambry Genetics
Classification: Uncertain significance for Inborn genetic diseases. Last evaluated: 2026-08-31. Review status: criteria provided, single submitter. Criteria: Ambry Variant Classification Scheme 2023. Collection method: clinical testing. Allele origin: germline.

Labcorp Genetics (formerly Invitae), Labcorp
Classification: Uncertain significance for Epilepsy, X-linked 1, with variable learning disabilities and behavior disorders. Last evaluated: 2021-07-24. Review status: criteria provided, single submitter. Criteria: Invitae Variant Classification Sherloc (09022015). Collection method: clinical testing. Allele origin: germline.
Comment: This variant has not been reported in the literature in individuals with SYN1-related conditions. ClinVar contains an entry for this variant (Variation ID: 436901). This variant is present in population databases (rs772106134, ExAC 0.05%). This sequence change replaces alanine with threonine at codon 441 of the SYN1 protein (p.Ala441Thr). The alanine residue is moderately conserved and there is a small physicochemical difference between alanine and threonine. Algorithms developed to predict the effect of missense changes on protein structure and function are either unavailable or do not agree on the potential impact of this missense change (SIFT: "Deleterious"; PolyPhen-2: "Benign"; Align-GVGD: "Class C0"). In summary, the available evidence is currently insufficient to determine the role of this variant in disease. Therefore, it has been classified as a Variant of Uncertain Significance.

Genetic Services Laboratory, University of Chicago
Classification: Uncertain significance. Last evaluated: 2017-01-19. Review status: criteria provided, single submitter. Criteria: ACMG Guidelines, 2015. Collection method: clinical testing. Allele origin: germline. Affected: no.

Neuberg Centre For Genomic Medicine, NCGM
Classification: Uncertain significance for Epilepsy, X-linked 1, with variable learning disabilities and behavior disorders. Review status: criteria provided, single submitter. Criteria: ACMG Guidelines, 2015. Collection method: clinical testing. Allele origin: germline. Inheritance: X-linked inheritance. Affected: yes.
Comment: The missense c.1321G>A (p.Ala441Thr) variant in SYN1 gene has not been reported previously as a pathogenic variant nor as a benign variant, to our knowledge. This variant is reported with the allele frequency 0.0007% in the gnomAD and novel in 1000 genome database. It has been submitted to ClinVar as Uncertain Significance. The amino acid Ala at position 441 is changed to a Thr changing protein sequence and it might alter its composition and physicochemical properties. In silico tools predict the variant to be tolerated. The residue is conserved across species. The amino acid change p.Ala441Thr in SYN1 is predicted as conserved by GERP++ and PhyloP across 100 vertebrates. For these reasons, this variant has been classified as Uncertain Significance.

NM_006950.3(SYN1):c.1321G>A (p.Ala441Thr)

Gene: SYN1 (synapsin I; minus strand). Cytogenetic location: Xp11.3.
Variant type: single nucleotide variant.
Coding change: c.1321G>A on transcript NM_006950.3 (MANE Select); coding-DNA position 1321, G replaced by A.
Protein change: p.Ala441Thr; replaces alanine 441 with threonine.
Molecular consequence: missense variant.
Genome position (GRCh38, 1-based): chrX:47,574,760, C>T on the plus strand (G>A on the coding strand, the complement: SYN1 is on the minus strand). VCF-style: chrX-47574760-C-T. GRCh37 (hg19) VCF-style: chrX-47434159-C-T.
Other names: c.1321G>A, p.Ala441Thr (NM_133499.2); short protein forms A441T.
Identifiers: ClinVar variation 436901 (VCV000436901.17), dbSNP rs772106134, ClinGen allele CA10398367.